The following is an entry in ClinVar:

NM_020884.7(MYH7B):c.4781+2T>C

Gene: MYH7B (myosin heavy chain 7B; plus strand). Cytogenetic location: 20q11.22.
Variant type: single nucleotide variant.
Coding change: c.4781+2T>C on transcript NM_020884.7 (MANE Select); the canonical splice donor site of the intron after coding-DNA position 4781, T replaced by C.
Molecular consequence: splice donor variant.
Genome position (GRCh38, 1-based): chr20:34,999,908, T>C. VCF-style: chr20-34999908-T-C. GRCh37 (hg19) VCF-style: chr20-33587711-T-C.
Identifiers: ClinVar variation 1941937 (VCV001941937.4), dbSNP rs765398085, ClinGen allele CA9828305.

ClinVar aggregate classification (germline): Uncertain significance (1 of 4 stars; one submission).

Allele frequency attached by ClinVar (database versions not stated): gnomAD exomes below 0.00001; ExAC 0.00001; TOPMed 0.00001.
gnomAD v4.1: 2 of 1,612,598 alleles (0.00012%); highest among the groups gnomAD compares: Non-Finnish European, 0.000085%; no homozygotes.

Submission:

Labcorp Genetics (formerly Invitae), Labcorp
Classification: Uncertain significance. Last evaluated: 2022-08-23. Review status: criteria provided, single submitter. Criteria: Invitae Variant Classification Sherloc (09022015). Collection method: clinical testing. Allele origin: germline.
Comment: This sequence change affects a donor splice site in intron 38 of the MYH7B gene. It is expected to disrupt RNA splicing. Variants that disrupt the donor or acceptor splice site typically lead to a loss of protein function (PMID: 16199547), however the current clinical and genetic evidence is not sufficient to establish whether loss-of-function variants in MYH7B cause disease. This variant is present in population databases (rs765398085, gnomAD 0.007%). In summary, the available evidence is currently insufficient to determine the role of this variant in disease. Therefore, it has been classified as a Variant of Uncertain Significance. Algorithms developed to predict the effect of sequence changes on RNA splicing suggest that this variant may disrupt the consensus splice site. This variant has not been reported in the literature in individuals affected with MYH7B-related conditions.

Literature cited by the submitters: PubMed 16199547.